The following is an entry in ClinVar:

ClinVar aggregate classification (germline): Pathogenic. Review status: criteria provided, multiple submitters, no conflicts (2 of 4 stars). 7 submissions from 7 submitters: Pathogenic (5). 2 of the submissions do not count toward it. Last evaluated 2026-01-28.

Conditions:
CEP290-related disorder. Also called: CEP290-related disorders; CEP290-related condition. Identifiers: MedGen CN239314.
Meckel-Gruber syndrome. Also called: GRUBER SYNDROME; DYSENCEPHALIA SPLANCHNOCYSTICA; Dysencephalia splachnocystica. Identifiers: Orphanet 564, MedGen C0265215, MONDO:0018921.
Nephronophthisis. Also called: Juvenile Nephronophthisis. Identifiers: Orphanet 655, MedGen C0687120, MONDO:0019005, HP:0000090.
Joubert syndrome. Also called: JOUBERT-BOLTSHAUSER SYNDROME; Familial aplasia of the vermis. Identifiers: Orphanet 475, MedGen C5979921, MONDO:0018772.
Bardet-Biedl syndrome 14 (BBS14). Identifiers: Orphanet 110, MedGen C2673874, MONDO:0014442, OMIM 615991.
Leber congenital amaurosis 10 (LCA10). Identifiers: Orphanet 65, MedGen C1857821, MONDO:0012723, OMIM 611755.
Senior-Loken syndrome 6 (SLSN6). Identifiers: Orphanet 3156, MedGen C1857779, MONDO:0012433, OMIM 610189.
Meckel syndrome, type 4 (MKS4). Also called: MECKEL-GRUBER SYNDROME, TYPE 4. Identifiers: Orphanet 564, MedGen C1970161, MONDO:0012626, OMIM 611134.
Joubert syndrome 5 (JBTS5). Identifiers: Orphanet 2318, MedGen C1857780, MONDO:0012432, OMIM 610188.
Leber congenital amaurosis (LCA). Also called: Leber's amaurosis. Identifiers: Orphanet 65, MedGen C0339527, MeSH D057130, MONDO:0018998.

Submissions (7):

Natera, Inc.
Classification: Pathogenic for Leber congenital amaurosis. Last evaluated: 2026-01-28. Review status: criteria provided, single submitter. Criteria: Natera Variant Classification Schema (03/2026). Collection method: clinical testing. Allele origin: germline.
Comment: The c.5813_5817delCTTTA variant in CEP290 is a frameshift variant predicted to shift the reading frame beginning at codon 1938 and leads to a stop codon 16 codons downstream. This variant is expected to result in nonsense mediated decay, truncation, or a dysfunctional protein product. This variant is rare in the general population with a frequency below the threshold expected for the associated phenotype(s). This variant has been observed in one or more individuals affected with the associated recessive disease, as either homozygous or compound heterozygous with a second variant (PMID: 16909394, 34196655). Given the available evidence, this variant is classified as Pathogenic.

Labcorp Genetics (formerly Invitae), Labcorp
Classification: Pathogenic for Joubert syndrome; Meckel-Gruber syndrome; Nephronophthisis. Last evaluated: 2025-11-04. Review status: criteria provided, single submitter. Criteria: Invitae Variant Classification Sherloc (09022015). Collection method: clinical testing. Allele origin: germline.
Comment: This sequence change creates a premature translational stop signal (p.Thr1938Asnfs*16) in the CEP290 gene. It is expected to result in an absent or disrupted protein product. Loss-of-function variants in CEP290 are known to be pathogenic (PMID: 16909394, 17345604, 20690115). The frequency data for this variant in the population databases is considered unreliable, as metrics indicate poor data quality at this position in the gnomAD database. This premature translational stop signal has been observed in individual(s) with Leber congenital amaurosis (LCA) (PMID: 16909394, 17705300, 20690115, 21153841). For these reasons, this variant has been classified as Pathogenic.

Baylor Genetics
Classification: Pathogenic for Bardet-Biedl syndrome 14. Last evaluated: 2023-12-19. Review status: criteria provided, single submitter. Criteria: ACMG Guidelines, 2015. Collection method: clinical testing. Allele origin: unknown.

Fulgent Genetics
Classification: Pathogenic for Joubert syndrome 5; Senior-Loken syndrome 6; Meckel syndrome, type 4; Leber congenital amaurosis 10; Bardet-Biedl syndrome 14. Last evaluated: 2022-03-11. Review status: criteria provided, single submitter. Criteria: ACMG Guidelines, 2015. Collection method: clinical testing. Allele origin: unknown.

CeGaT Center for Human Genetics Tuebingen
Classification: Pathogenic. Last evaluated: 2018-11-01. Review status: criteria provided, single submitter. Criteria: CeGaT Center For Human Genetics Tuebingen Variant Classification Criteria Version 2. Collection method: clinical testing. Allele origin: germline. Affected: yes. Observed: 3 variant alleles.

PreventionGenetics, part of Exact Sciences
Classification: Pathogenic for CEP290-related condition. Last evaluated: 2024-09-11. Review status: no assertion criteria provided. Collection method: clinical testing. Allele origin: germline. Not counted in ClinVar's aggregate classification.
Comment: The CEP290 c.5813_5817del5 variant is predicted to result in a frameshift and premature protein termination (p.Thr1938Asnfs*16). This variant has been reported in the compound heterozygous state with a recurrent deep intronic variant (c.2991+1655A>G) in multiple individuals with Leber Congenital Amaurosis (den Hollander et al. 2006. PubMed ID: 16909394; Frank et al. 2008. PubMed ID: 17705300; Wiszniewski et al. 2011. PubMed ID: 21153841; Testa et al. 2021. PubMed ID: 34196655). This variant is reported in 0.00081% of alleles in individuals of European (Non-Finnish) descent in gnomAD. Frameshift variants in CEP290 are expected to be pathogenic. Given the evidence, we interpret c.5813_5817del (p.Thr1938Asnfs*16) as pathogenic.

Retina International
No classification provided. Review status: no classification provided. Collection method: not provided. Allele origin: not provided. Not counted in ClinVar's aggregate classification.

Literature cited by the submitters: PubMed 16909394 (cited by Natera, Inc. and Labcorp Genetics (formerly Invitae), Labcorp); PubMed 34196655 (cited by Natera, Inc.); PubMed 17345604 (cited by Labcorp Genetics (formerly Invitae), Labcorp); PubMed 20690115 (cited by Labcorp Genetics (formerly Invitae), Labcorp); PubMed 17705300 (cited by Labcorp Genetics (formerly Invitae), Labcorp); PubMed 21153841 (cited by Labcorp Genetics (formerly Invitae), Labcorp).

NM_025114.4(CEP290):c.5813_5817del (p.Thr1938fs)

Gene: CEP290 (centrosomal protein 290; minus strand). Cytogenetic location: 12q21.32.
Variant type: Microsatellite.
Coding change: c.5813_5817del on transcript NM_025114.4 (MANE Select); coding-DNA positions 5813 to 5817, 5 bases deleted (CTTTA; older notation c.5813_5817delCTTTA).
Protein change: p.Thr1938fs; shifts the reading frame from threonine 1938.
Molecular consequence: frameshift variant.
Genome position (GRCh38, 1-based): chr12:88,071,819-88,071,823, TAAAG deleted on the plus strand (CTTTA on the coding strand, the reverse complement: CEP290 is on the minus strand); deleting any 5 consecutive bases within chr12:88,071,819-88,071,828 gives the same sequence; the c. name uses the placement nearest the transcript's 3' end. VCF-style (leftmost placement, unchanged base first): chr12-88071818-TTAAAG-T. GRCh37 (hg19) VCF-style: chr12-88465595-TTAAAG-T.
Other names: c.5813_5817del5 (NM_025114.3); c.5813_5817delCTTTA (NM_025114.3); short protein forms T1938fs.
Identifiers: ClinVar variation 99861 (VCV000099861.59), dbSNP rs62638180, ClinGen allele CA227981.